The following is an entry in ClinVar:

ClinVar aggregate classification (germline): Conflicting classifications of pathogenicity. Review status: criteria provided, conflicting classifications (1 of 4 stars). 4 submissions from 4 submitters: Uncertain significance (1); Likely benign (3). Last evaluated 2026-08-12.

Conditions:
ARHGAP24-related disorder. Also called: ARHGAP24-related condition.

Allele frequency attached by ClinVar (database versions not stated): ESP Exome Variant Server 0.00077; 1000 Genomes Project 0.00300; 1000 Genomes Project 30x 0.00344.
gnomAD v4.1: 2,032 of 1,613,994 alleles (0.13%); highest among the groups gnomAD compares: Admixed American, 0.27%; 4 homozygotes.

Submissions (4):

PreventionGenetics, part of Exact Sciences
Classification: Likely benign for ARHGAP24-related condition. Last evaluated: 2026-08-12. Review status: criteria provided, single submitter. Criteria: ACMG Guidelines, 2015. Collection method: clinical testing. Allele origin: germline.
Comment: This variant is classified as likely benign based on ACMG/AMP sequence variant interpretation guidelines (Richards et al. 2015 PMID: 25741868, with internal and published modifications).

Labcorp Genetics (formerly Invitae), Labcorp
Classification: Likely benign. Last evaluated: 2026-02-01. Review status: criteria provided, single submitter. Criteria: Invitae Variant Classification Sherloc (09022015). Collection method: clinical testing. Allele origin: germline.

CeGaT Center for Human Genetics Tuebingen
Classification: Likely benign. Last evaluated: 2024-12-01. Review status: criteria provided, single submitter. Criteria: CeGaT Center For Human Genetics Tuebingen Variant Classification Criteria Version 2. Collection method: clinical testing. Allele origin: germline. Affected: yes. Observed: 1 variant allele.
Comment: ARHGAP24: BP4, BS2

GeneDx
Classification: Uncertain significance. Last evaluated: 2019-08-01. Review status: criteria provided, single submitter. Criteria: GeneDx Variant Classification Process June 2021. Collection method: clinical testing. Allele origin: germline. Affected: yes.
Comment: Identified by Akilesh et al. in 2 individuals with biopsy proven FSGS, but reported as likely benign by Abouelhoda et al. due to identification in the homozygous state in individuals without the phenotype (Akilesh et al., 2011; Abouelhoda et al., 2016); In silico analysis, which includes protein predictors and evolutionary conservation, supports that this variant does not alter protein structure/function; This variant is associated with the following publications: (PMID: 21911940, 27884173)

NM_001025616.3(ARHGAP24):c.1442C>T (p.Thr481Met)

Gene: ARHGAP24 (Rho GTPase activating protein 24; plus strand). Cytogenetic location: 4q21.23.
Variant type: single nucleotide variant.
Coding change: c.1442C>T on transcript NM_001025616.3 (MANE Select); coding-DNA position 1442, C replaced by T.
Protein change: p.Thr481Met; replaces threonine 481 with methionine.
Molecular consequence: missense variant.
Genome position (GRCh38, 1-based): chr4:85,995,096, C>T. VCF-style: chr4-85995096-C-T. GRCh37 (hg19) VCF-style: chr4-86916249-C-T.
Other names: c.1157C>T, p.Thr386Met (NM_001042669.2); c.1187C>T, p.Thr396Met (NM_001287805.2); c.863C>T, p.Thr288Met (NM_001346093.2); c.1163C>T, p.Thr388Met (NM_031305.3); short protein forms T288M, T386M, T388M, T396M, T481M.
Identifiers: ClinVar variation 1303208 (VCV001303208.25), dbSNP rs147870358, ClinGen allele CA2994745.